The following is an entry in ClinVar:

NM_001271.4(CHD2):c.4235A>G (p.Glu1412Gly)

Gene: CHD2 (chromodomain helicase DNA binding protein 2; plus strand). Cytogenetic location: 15q26.1.
Variant type: single nucleotide variant.
Coding change: c.4235A>G on transcript NM_001271.4 (MANE Select); coding-DNA position 4235, A replaced by G.
Protein change: p.Glu1412Gly; replaces glutamic acid 1412 with glycine.
Molecular consequence: missense variant.
Genome position (GRCh38, 1-based): chr15:93,002,274, A>G. VCF-style: chr15-93002274-A-G. GRCh37 (hg19) VCF-style: chr15-93545504-A-G.
Other names: short protein forms E1412G.
Identifiers: ClinVar variation 421957 (VCV000421957.12), dbSNP rs1064795470, ClinGen allele CA16620056.

ClinVar aggregate classification (germline): Uncertain significance. Review status: criteria provided, multiple submitters, no conflicts (2 of 4 stars). 2 submissions from 2 submitters: Uncertain significance (2). Last evaluated 2023-08-17.

Conditions:
Developmental and epileptic encephalopathy 94 (DEE94). Also called: Epileptic encephalopathy, childhood-onset; CHD2-Related Neurodevelopmental Disorders. Identifiers: Orphanet 1942, Orphanet 2382, MedGen C3809278, MONDO:0014150, OMIM 615369.

Allele frequency attached by ClinVar (database versions not stated): TOPMed below 0.00001.

Submissions (2):

Labcorp Genetics (formerly Invitae), Labcorp
Classification: Uncertain significance for Developmental and epileptic encephalopathy 94. Last evaluated: 2023-08-17. Review status: criteria provided, single submitter. Criteria: Invitae Variant Classification Sherloc (09022015). Collection method: clinical testing. Allele origin: germline.
Comment: In summary, the available evidence is currently insufficient to determine the role of this variant in disease. Therefore, it has been classified as a Variant of Uncertain Significance. Advanced modeling of protein sequence and biophysical properties (such as structural, functional, and spatial information, amino acid conservation, physicochemical variation, residue mobility, and thermodynamic stability) performed at Invitae indicates that this missense variant is not expected to disrupt CHD2 protein function. ClinVar contains an entry for this variant (Variation ID: 421957). This variant has not been reported in the literature in individuals affected with CHD2-related conditions. This variant is not present in population databases (gnomAD no frequency). This sequence change replaces glutamic acid, which is acidic and polar, with glycine, which is neutral and non-polar, at codon 1412 of the CHD2 protein (p.Glu1412Gly).

GeneDx
Classification: Uncertain significance. Last evaluated: 2016-08-08. Review status: criteria provided, single submitter. Criteria: GeneDx Variant Classification (06012015). Collection method: clinical testing. Allele origin: germline. Affected: yes.
Comment: A variant of uncertain significance has been identified in the CHD2 gene. The E1412G variant has not been published as a pathogenic variant, nor has it been reported as a benign variant to our knowledge. It was not observed in approximately 6,500 individuals of European and African American ancestry in the NHLBI Exome Sequencing Project, indicating it is not a common benign variant in these populations. The E1412G variant is a non-conservative amino acid substitution, which is likely to impact secondary protein structure as these residues differ in polarity, charge, size and/or other properties. This substitution occurs at a position where amino acids with similar properties to Glutamic acid are tolerated across species. In silico analysis is inconsistent in its predictions as to whether or not the variant is damaging to the protein structure/function. Therefore, based on the currently available information, it is unclear whether this variant is a pathogenic variant or a rare benign variant.